The following is an entry in ClinVar:

NM_000032.5(ALAS2):c.577G>A (p.Val193Ile)

Gene: ALAS2 (5'-aminolevulinate synthase 2; minus strand). Cytogenetic location: Xp11.21.
Variant type: single nucleotide variant.
Coding change: c.577G>A on transcript NM_000032.5 (MANE Select); coding-DNA position 577, G replaced by A.
Protein change: p.Val193Ile; replaces valine 193 with isoleucine.
Molecular consequence: missense variant.
Genome position (GRCh38, 1-based): chrX:55,021,113, C>T on the plus strand (G>A on the coding strand, the complement: ALAS2 is on the minus strand). VCF-style: chrX-55021113-C-T. GRCh37 (hg19) VCF-style: chrX-55047546-C-T.
Other names: p.V193I:GTC>ATC; c.577G>A, p.Val193Ile (LRG_1163t1); c.466G>A, p.Val156Ile (NM_001037967.4); c.538G>A, p.Val180Ile (NM_001037968.4); short protein forms V193I, V180I, V156I.
Identifiers: ClinVar variation 214086 (VCV000214086.8), dbSNP rs772482624, ClinGen allele CA322536.
Genomic context (GRCh38, chrX:55,021,113, plus strand): 5'-GTGTGGCTTGCAAGACCTGAGGGTGTCGGCTCATGCCCAGGTAATCATTACTACACCAGA[C>T]GGACACATCCTTTGAGGCCACAGATGCCTCAGAGAAATGTTGGGCAAAGGGATATGCATC-3'
Protein context (NP_000023.2, residues 183-203): EASVASKDVS[Val193Ile]WCSNDYLGMS

ClinVar aggregate classification (germline): Conflicting classifications of pathogenicity. Review status: criteria provided, conflicting classifications (1 of 4 stars). 3 submissions from 3 submitters: Uncertain significance (2); Likely benign (1). Last evaluated 2024-12-08.

Allele frequency attached by ClinVar (database versions not stated): ExAC 0.00001; gnomAD exomes 0.00002; gnomAD 0.00005 and 0.00006; TOPMed 0.00005.
gnomAD v4.1: 33 of 1,209,749 alleles (0.0027%); highest among the groups gnomAD compares: African/African-American, 0.0035%; no homozygotes.

Submissions (3):

Labcorp Genetics (formerly Invitae), Labcorp
Classification: Uncertain significance. Last evaluated: 2024-12-08. Review status: criteria provided, single submitter. Criteria: Invitae Variant Classification Sherloc (09022015). Collection method: clinical testing. Allele origin: germline.
Comment: This sequence change replaces valine, which is neutral and non-polar, with isoleucine, which is neutral and non-polar, at codon 193 of the ALAS2 protein (p.Val193Ile). This variant is present in population databases (rs772482624, gnomAD 0.004%). This variant has not been reported in the literature in individuals affected with ALAS2-related conditions. ClinVar contains an entry for this variant (Variation ID: 214086). Invitae Evidence Modeling of protein sequence and biophysical properties (such as structural, functional, and spatial information, amino acid conservation, physicochemical variation, residue mobility, and thermodynamic stability) indicates that this missense variant is not expected to disrupt ALAS2 protein function with a negative predictive value of 95%. In summary, the available evidence is currently insufficient to determine the role of this variant in disease. Therefore, it has been classified as a Variant of Uncertain Significance.

Revvity Omics, Revvity
Classification: Uncertain significance. Last evaluated: 2022-11-21. Review status: criteria provided, single submitter. Criteria: ACMG Guidelines, 2015. Collection method: clinical testing. Allele origin: germline.

GeneDx
Classification: Likely benign. Last evaluated: 2013-04-09. Review status: criteria provided, single submitter. Criteria: GeneDx Variant Classification (06012015). Collection method: clinical testing. Allele origin: germline. Affected: yes.
Comment: This variant is considered likely benign or benign based on one or more of the following criteria: it is a conservative change, it occurs at a poorly conserved position in the protein, it is predicted to be benign by multiple in silico algorithms, and/or has population frequency not consistent with disease.